The following is an entry in ClinVar:

ClinVar aggregate classification (germline): Uncertain significance. Review status: criteria provided, multiple submitters, no conflicts (2 of 4 stars). 2 submissions from 2 submitters: Uncertain significance (2). Last evaluated 2023-05-20.

Conditions:
Norman-Roberts syndrome (LIS2). Also called: Lissencephaly 2 (Norman-Roberts type). Identifiers: Orphanet 89844, MedGen C0796089, MONDO:0009760, OMIM 257320.
Familial temporal lobe epilepsy 7. Identifiers: Orphanet 101046, MedGen C4225327, MONDO:0014639, OMIM 616436.

Allele frequency attached by ClinVar (database versions not stated): gnomAD exomes below 0.00001; ExAC 0.00001.
gnomAD v4.1: 4 of 1,613,536 alleles (0.00025%); highest among the groups gnomAD compares: African/African-American, 0.004%; no homozygotes.

Submissions (2):

Labcorp Genetics (formerly Invitae), Labcorp
Classification: Uncertain significance for Familial temporal lobe epilepsy 7; Norman-Roberts syndrome. Last evaluated: 2023-05-20. Review status: criteria provided, single submitter. Criteria: Invitae Variant Classification Sherloc (09022015). Collection method: clinical testing. Allele origin: germline.
Comment: In summary, the available evidence is currently insufficient to determine the role of this variant in disease. Therefore, it has been classified as a Variant of Uncertain Significance. Advanced modeling of protein sequence and biophysical properties (such as structural, functional, and spatial information, amino acid conservation, physicochemical variation, residue mobility, and thermodynamic stability) performed at Invitae indicates that this missense variant is not expected to disrupt RELN protein function. ClinVar contains an entry for this variant (Variation ID: 1406675). This variant has not been reported in the literature in individuals affected with RELN-related conditions. This variant is present in population databases (rs757668683, gnomAD no frequency). This sequence change replaces serine, which is neutral and polar, with arginine, which is basic and polar, at codon 1110 of the RELN protein (p.Ser1110Arg).

Breakthrough Genomics
Classification: Uncertain significance. Review status: criteria provided, single submitter. Criteria: ACMG Guidelines, 2015. Collection method: not provided. Allele origin: germline. Inheritance: Autosomal recessive inheritance. Affected: yes.

NM_005045.4(RELN):c.3328A>C (p.Ser1110Arg)

Gene: RELN (reelin; minus strand). Cytogenetic location: 7q22.1.
Variant type: single nucleotide variant.
Coding change: c.3328A>C on transcript NM_005045.4 (MANE Select); coding-DNA position 3328, A replaced by C.
Protein change: p.Ser1110Arg; replaces serine 1110 with arginine.
Molecular consequence: missense variant.
Genome position (GRCh38, 1-based): chr7:103,603,309, T>G on the plus strand (A>C on the coding strand, the complement: RELN is on the minus strand). VCF-style: chr7-103603309-T-G. GRCh37 (hg19) VCF-style: chr7-103243756-T-G.
Other names: c.3328A>C, p.Ser1110Arg (NM_173054.3); short protein forms S1110R.
Identifiers: ClinVar variation 1406675 (VCV001406675.9), dbSNP rs757668683, ClinGen allele CA4421799.